The following is an entry in ClinVar:

ClinVar aggregate classification (germline): Uncertain significance. Review status: criteria provided, multiple submitters, no conflicts (2 of 4 stars). 3 submissions from 3 submitters: Uncertain significance (2). 1 of the submissions does not count toward it. Last evaluated 2025-09-09.

Conditions:
Inborn genetic diseases. Identifiers: MedGen C0950123, MeSH D030342.
Intellectual disability. Also called: intellectual disabilities; Intellectual developmental disorder; Intellectual functioning disability. Identifiers: MedGen C3714756, MeSH D008607, MONDO:0001071, HP:0001249.

Allele frequency attached by ClinVar (database versions not stated): ExAC 0.00001; TOPMed 0.00002; gnomAD exomes 0.00001 and 0.00002.
gnomAD v4.1: 24 of 1,209,912 alleles (0.002%); highest among the groups gnomAD compares: South Asian, 0.0035%; no homozygotes.

Submissions (3):

Ambry Genetics
Classification: Uncertain significance for Inborn genetic diseases. Last evaluated: 2025-09-09. Review status: criteria provided, single submitter. Criteria: Ambry Variant Classification Scheme 2023. Collection method: clinical testing. Allele origin: germline.

Labcorp Genetics (formerly Invitae), Labcorp
Classification: Uncertain significance. Last evaluated: 2023-08-16. Review status: criteria provided, single submitter. Criteria: Invitae Variant Classification Sherloc (09022015). Collection method: clinical testing. Allele origin: germline.
Comment: ClinVar contains an entry for this variant (Variation ID: 975195). This variant has not been reported in the literature in individuals affected with BRWD3-related conditions. This variant is present in population databases (rs768212341, gnomAD 0.001%). This sequence change replaces arginine, which is basic and polar, with cysteine, which is neutral and slightly polar, at codon 793 of the BRWD3 protein (p.Arg793Cys). In summary, the available evidence is currently insufficient to determine the role of this variant in disease. Therefore, it has been classified as a Variant of Uncertain Significance. Advanced modeling of protein sequence and biophysical properties (such as structural, functional, and spatial information, amino acid conservation, physicochemical variation, residue mobility, and thermodynamic stability) performed at Invitae indicates that this missense variant is not expected to disrupt BRWD3 protein function.

Centre de Biologie Pathologie Génétique, Centre Hospitalier Universitaire de Lille
Classification: Likely benign for Intellectual disability. Last evaluated: 2019-01-01. Review status: no assertion criteria provided. Collection method: clinical testing. Allele origin: inherited. Affected: yes. Not counted in ClinVar's aggregate classification.

NM_153252.5(BRWD3):c.2377C>T (p.Arg793Cys)

Gene: BRWD3 (bromodomain and WD repeat domain containing 3; minus strand). Cytogenetic location: Xq21.1.
Variant type: single nucleotide variant.
Coding change: c.2377C>T on transcript NM_153252.5 (MANE Select); coding-DNA position 2377, C replaced by T.
Protein change: p.Arg793Cys; replaces arginine 793 with cysteine.
Molecular consequence: missense variant.
Genome position (GRCh38, 1-based): chrX:80,709,526, G>A on the plus strand (C>T on the coding strand, the complement: BRWD3 is on the minus strand). VCF-style: chrX-80709526-G-A. GRCh37 (hg19) VCF-style: chrX-79965025-G-A.
Other names: short protein forms R793C.
Identifiers: ClinVar variation 975195 (VCV000975195.5), dbSNP rs768212341, ClinGen allele CA10462038.
Genomic context (GRCh38, chrX:80,709,526, plus strand): 5'-TTTGACATGATGCCTGTGAATTATGCTCTATGTTGGACCGTGTTTGGTAAGTATGCTGAC[G>A]TTTGCGCTGTGTCCTGCGTAAAGAACGCCCACAGCTAGGCTCATAATCATTCTGTAAAAG-3'
Protein context (NP_694984.5, residues 783-803): GRSLRRTQRK[Arg793Cys]QHTYQTRSNI